The following is an entry in ClinVar:

ClinVar aggregate classification (germline): Uncertain significance (1 of 4 stars; one submission).

Submission:

Labcorp Genetics (formerly Invitae), Labcorp
Classification: Uncertain significance. Last evaluated: 2022-03-19. Review status: criteria provided, single submitter. Criteria: Invitae Variant Classification Sherloc (09022015). Collection method: clinical testing. Allele origin: germline.
Comment: In summary, the available evidence is currently insufficient to determine the role of this variant in disease. Therefore, it has been classified as a Variant of Uncertain Significance. Advanced modeling of protein sequence and biophysical properties (such as structural, functional, and spatial information, amino acid conservation, physicochemical variation, residue mobility, and thermodynamic stability) performed at Invitae indicates that this missense variant is expected to disrupt TUBB2A protein function. This variant has not been reported in the literature in individuals affected with TUBB2A-related conditions. This variant is not present in population databases (gnomAD no frequency). This sequence change replaces methionine, which is neutral and non-polar, with threonine, which is neutral and polar, at codon 363 of the TUBB2A protein (p.Met363Thr).

NM_001069.3(TUBB2A):c.1088T>C (p.Met363Thr)

Gene: TUBB2A (tubulin beta 2A class IIa; minus strand). Cytogenetic location: 6p25.2.
Variant type: single nucleotide variant.
Coding change: c.1088T>C on transcript NM_001069.3 (MANE Select); coding-DNA position 1088, T replaced by C.
Protein change: p.Met363Thr; replaces methionine 363 with threonine.
Molecular consequence: missense variant.
Genome position (GRCh38, 1-based): chr6:3,154,113, A>G on the plus strand (T>C on the coding strand, the complement: TUBB2A is on the minus strand). VCF-style: chr6-3154113-A-G. GRCh37 (hg19) VCF-style: chr6-3154347-A-G.
Other names: c.833T>C, p.Met278Thr (NM_001310315.2); short protein forms M363T, M278T.
Identifiers: ClinVar variation 1479053 (VCV001479053.8), dbSNP rs2113785063, ClinGen allele CA362591262.